The following is an entry in ClinVar:

NM_001271.4(CHD2):c.4592+103C>T

Gene: CHD2 (chromodomain helicase DNA binding protein 2; plus strand). Cytogenetic location: 15q26.1.
Variant type: single nucleotide variant.
Coding change: c.4592+103C>T on transcript NM_001271.4 (MANE Select); 103 bases into the intron after coding-DNA position 4592, C replaced by T.
Molecular consequence: intron variant.
Genome position (GRCh38, 1-based): chr15:93,009,426, C>T. VCF-style: chr15-93009426-C-T. GRCh37 (hg19) VCF-style: chr15-93552656-C-T.
Identifiers: ClinVar variation 1293029 (VCV001293029.4), dbSNP rs12900461, ClinGen allele CA15850265.

ClinVar aggregate classification (germline): Benign. Review status: criteria provided, multiple submitters, no conflicts (2 of 4 stars). 2 submissions from 2 submitters: Benign (2). Last evaluated 2024-07-31.

Allele frequency attached by ClinVar (database versions not stated): gnomAD 0.76170 and 0.77139; TOPMed 0.77599; 1000 Genomes Project 30x 0.80465; 1000 Genomes Project 0.81569; gnomAD exomes 0.84090.
gnomAD v4.1: 974,888 of 1,171,684 alleles (83%); highest among the groups gnomAD compares: East Asian, 100%; 408,804 homozygotes.

Submissions (2):

Unidad de Genómica Garrahan, Hospital de Pediatría Garrahan
Classification: Benign. Last evaluated: 2024-07-31. Review status: criteria provided, single submitter. Criteria: ACMG Guidelines, 2015. Collection method: clinical testing. Allele origin: germline. Affected: no. Observed: 29 variant alleles.
Comment: This variant is classified as Benign based on local population frequency. This variant was detected in 31% of patients studied in a panel designed for Epileptic and Developmental Encephalopathy, Progressive Myoclonus Epilepsy and Abnormal Movements and Neurodegeneration with brain iron accumulation. Number of patients: 29. Only high quality variants are reported.

GeneDx
Classification: Benign. Last evaluated: 2018-06-25. Review status: criteria provided, single submitter. Criteria: GeneDx Variant Classification Process June 2021. Collection method: clinical testing. Allele origin: germline. Affected: yes.